The following is an entry in ClinVar:

ClinVar aggregate classification (germline): Likely benign. Review status: criteria provided, multiple submitters, no conflicts (2 of 4 stars). 3 submissions from 3 submitters: Likely benign (2). 1 of the submissions does not count toward it. Last evaluated 2024-02-14.

Conditions:
VPS13B-related disorder. Also called: VPS13B-related condition.
Cohen syndrome (COH1). Also called: PEPPER SYNDROME; Cutis verticis gyrata, retinitis pigmentosa, and sensorineural deafness. Identifiers: Orphanet 193, MedGen C0265223, MONDO:0008999, OMIM 216550.

Allele frequency attached by ClinVar (database versions not stated): gnomAD exomes below 0.00001 and 0.00002; ExAC 0.00001; ESP Exome Variant Server 0.00008.
gnomAD v4.1: 26 of 1,613,466 alleles (0.0016%); highest among the groups gnomAD compares: Non-Finnish European, 0.002%; no homozygotes.

Submissions (3):

Blueprint Genetics
Classification: Likely benign. Last evaluated: 2024-02-14. Review status: criteria provided, single submitter. Criteria: ACMG Guidelines, 2015. Collection method: clinical testing. Allele origin: germline.

Labcorp Genetics (formerly Invitae), Labcorp
Classification: Likely benign for Cohen syndrome. Last evaluated: 2024-01-04. Review status: criteria provided, single submitter. Criteria: Invitae Variant Classification Sherloc (09022015). Collection method: clinical testing. Allele origin: germline.

PreventionGenetics, part of Exact Sciences
Classification: Likely benign for VPS13B-related condition. Last evaluated: 2024-04-11. Review status: no assertion criteria provided. Collection method: clinical testing. Allele origin: germline. Not counted in ClinVar's aggregate classification.
Comment: This variant is classified as likely benign based on ACMG/AMP sequence variant interpretation guidelines (Richards et al. 2015 PMID: 25741868, with internal and published modifications).

NM_152564.5(VPS13B):c.3094T>C (p.Leu1032=)

Gene: VPS13B (vacuolar protein sorting 13 homolog B; plus strand). Cytogenetic location: 8q22.2.
Variant type: single nucleotide variant.
Coding change: c.3094T>C on transcript NM_152564.5 (MANE Select); coding-DNA position 3094, T replaced by C.
Protein change: p.Leu1032=; no amino-acid change (leucine 1032 retained).
Molecular consequence: synonymous variant.
Genome position (GRCh38, 1-based): chr8:99,431,548, T>C. VCF-style: chr8-99431548-T-C. GRCh37 (hg19) VCF-style: chr8-100443776-T-C.
Other names: c.3094T>C, p.Leu1032= (NM_017890.5); c.3094T>C (NM_152564.4).
Identifiers: ClinVar variation 1085443 (VCV001085443.11), dbSNP rs373538168, ClinGen allele CA4823172.
Genomic context (GRCh38, chr8:99,431,548, plus strand): 5'-AAATTGTAAGTTATGTTTCTATTAAATAATTAGCTATTCTCGTACTCAGAATCCCGCCCA[T>C]TGTCAGTTCCTGTTAAAGCCATGTTGAATATATCTGAAAGCTGTAGAAGTCCTGAAGAAA-3'
Protein context (NP_689777.3, residues 1022-1042): KTKTVTESRP[Leu1032=]SVPVKAMLNI